The following is an entry in ClinVar:

NM_020921.4(NIN):c.4828C>T (p.Leu1610Phe)

Gene: NIN (ninein; minus strand). Cytogenetic location: 14q22.1.
Variant type: single nucleotide variant.
Coding change: c.4828C>T on transcript NM_020921.4 (MANE Select); coding-DNA position 4828, C replaced by T.
Protein change: p.Leu1610Phe; replaces leucine 1610 with phenylalanine.
Molecular consequence: missense variant.
Genome position (GRCh38, 1-based): chr14:50,752,640, G>A on the plus strand (C>T on the coding strand, the complement: NIN is on the minus strand). VCF-style: chr14-50752640-G-A. GRCh37 (hg19) VCF-style: chr14-51219358-G-A.
Other names: c.2689C>T, p.Leu897Phe (NM_016350.5); c.4828C>T, p.Leu1610Phe (NM_182944.3, NM_182946.2); short protein forms L1610F, L897F.
Identifiers: ClinVar variation 1960408 (VCV001960408.5), dbSNP rs979615583, ClinGen allele CA260825161.

ClinVar aggregate classification (germline): Uncertain significance (1 of 4 stars; one submission).

Allele frequency attached by ClinVar (database versions not stated): TOPMed 0.00002; gnomAD 0.00001.
gnomAD v4.1: 2 of 1,613,606 alleles (0.00012%); highest among the groups gnomAD compares: Non-Finnish European, 0.00017%; no homozygotes.

Submission:

Labcorp Genetics (formerly Invitae), Labcorp
Classification: Uncertain significance. Last evaluated: 2025-07-09. Review status: criteria provided, single submitter. Criteria: Invitae Variant Classification Sherloc (09022015). Collection method: clinical testing. Allele origin: germline.
Comment: This sequence change replaces leucine, which is neutral and non-polar, with phenylalanine, which is neutral and non-polar, at codon 1610 of the NIN protein (p.Leu1610Phe). This variant is not present in population databases (gnomAD no frequency). This variant has not been reported in the literature in individuals affected with NIN-related conditions. ClinVar contains an entry for this variant (Variation ID: 1960408). An algorithm developed to predict the effect of missense changes on protein structure and function (PolyPhen-2) suggests that this variant is likely to be disruptive. In summary, the available evidence is currently insufficient to determine the role of this variant in disease. Therefore, it has been classified as a Variant of Uncertain Significance.